The following is an entry in ClinVar:

NM_015459.5(ATL3):c.1371C>T (p.Ala457=)

Genes: ATL3 (atlastin GTPase 3; minus strand), LNCROPM (lncRNA regulator of PLAAT3 mediated phospholipid metabolism; plus strand). Cytogenetic location: 11q13.1.
Variant type: single nucleotide variant.
Coding change: c.1371C>T on transcript NM_015459.5 (MANE Select); coding-DNA position 1371, C replaced by T.
Protein change: p.Ala457=; no amino-acid change (alanine 457 retained).
Molecular consequence: synonymous variant.
Genome position (GRCh38, 1-based): chr11:63,631,208, G>A on the plus strand (C>T on the coding strand, the complement: ATL3 is on the minus strand). VCF-style: chr11-63631208-G-A. GRCh37 (hg19) VCF-style: chr11-63398680-G-A.
Other names: c.1317C>T, p.Ala439= (NM_001290048.2); c.1371C>T (NM_015459.4).
Identifiers: ClinVar variation 2198593 (VCV002198593.5), dbSNP rs773330617, ClinGen allele CA6063531.

ClinVar aggregate classification (germline): Benign/Likely benign. Review status: criteria provided, multiple submitters, no conflicts (2 of 4 stars). 2 submissions from 2 submitters: Benign (1); Likely benign (1). Last evaluated 2025-11-11.

Conditions:
Neuropathy, hereditary sensory, type 1F. Also called: Hereditary sensory neuropathy type IF; HSN IF. Identifiers: Orphanet 36386, MedGen C3810194, MONDO:0014286, OMIM 615632.
ATL3-related disorder. Also called: ATL3-related condition.

Allele frequency attached by ClinVar (database versions not stated): gnomAD 0.00002; TOPMed 0.00004; ExAC 0.00007.
gnomAD v4.1: 37 of 1,614,102 alleles (0.0023%); highest among the groups gnomAD compares: East Asian, 0.022%; no homozygotes.

Submissions (2):

PreventionGenetics, part of Exact Sciences
Classification: Likely benign for ATL3-related condition. Last evaluated: 2025-11-11. Review status: criteria provided, single submitter. Criteria: ACMG Guidelines, 2015. Collection method: clinical testing. Allele origin: germline.
Comment: This variant is classified as likely benign based on ACMG/AMP sequence variant interpretation guidelines (Richards et al. 2015 PMID: 25741868, with internal and published modifications).

Labcorp Genetics (formerly Invitae), Labcorp
Classification: Benign for Neuropathy, hereditary sensory, type 1F. Last evaluated: 2025-02-10. Review status: criteria provided, single submitter. Criteria: Invitae Variant Classification Sherloc (09022015). Collection method: clinical testing. Allele origin: germline.